The following is an entry in ClinVar:

ClinVar aggregate classification (germline): Uncertain significance (1 of 4 stars; one submission).

Conditions:
PARP6-related disorder.

Submission:

Clinical Genomics Laboratory, Washington University in St. Louis
Classification: Uncertain significance for PARP6-related disorder. Last evaluated: 2026-04-10. Review status: criteria provided, single submitter. Criteria: ACMG Guidelines, 2015. Collection method: clinical testing. Allele origin: germline.
Comment: The PARP6 c.1491+1G>A variant, to our knowledge, has not been reported in the medical literature. This variant is absent from the general population (gnomAD v2.1.1), indicating it is not a common variant. This variant occurs within the canonical splice donor site, which is predicted to cause skipping of the exon, leading to an out-of-frame transcript. Due to limited information, the clinical significance of this variant is uncertain.

Literature cited by the submitters: PubMed 34067418.

NM_001323532.2(PARP6):c.1491+1G>A

Gene: PARP6 (poly(ADP-ribose) polymerase family member 6; minus strand). Cytogenetic location: 15q23.
Variant type: single nucleotide variant.
Coding change: c.1491+1G>A on transcript NM_001323532.2 (MANE Select); the canonical splice donor site of the intron after coding-DNA position 1491, G replaced by A.
Molecular consequence: splice donor variant.
Genome position (GRCh38, 1-based): chr15:72,250,019, C>T on the plus strand (G>A on the coding strand, the complement: PARP6 is on the minus strand). VCF-style: chr15-72250019-C-T. GRCh37 (hg19) VCF-style: chr15-72542360-C-T.
Other names: c.1491+1G>A (NM_001323522.2, NM_020214.4); c.1494+1G>A (NM_001323531.2, NM_001323528.2, NM_001323525.2); c.1431+1G>A (NM_001323521.2, NM_001323524.2, NM_001323519.2 and 2 more transcripts); c.1434+1G>A (NM_001323516.2, NM_001323515.2, NM_001323530.2).
Identifiers: ClinVar variation 4879267 (VCV004879267.1).